The following is an entry in ClinVar:

ClinVar aggregate classification (germline): Uncertain significance (1 of 4 stars; one submission).

Allele frequency attached by ClinVar (database versions not stated): gnomAD exomes 0.00001; TOPMed below 0.00001.
gnomAD v4.1: 2 of 1,546,236 alleles (0.00013%); highest among the groups gnomAD compares: Admixed American, 0.0039%; no homozygotes.

Submission:

Labcorp Genetics (formerly Invitae), Labcorp
Classification: Uncertain significance. Last evaluated: 2021-11-03. Review status: criteria provided, single submitter. Criteria: Invitae Variant Classification Sherloc (09022015). Collection method: clinical testing. Allele origin: germline.
Comment: This sequence change replaces histidine, which is basic and polar, with glutamine, which is neutral and polar, at codon 2220 of the UNC80 protein (p.His2220Gln). This variant is present in population databases (no rsID available, gnomAD 0.004%). This variant has not been reported in the literature in individuals affected with UNC80-related conditions. Algorithms developed to predict the effect of missense changes on protein structure and function are either unavailable or do not agree on the potential impact of this missense change (SIFT: "Not Available"; PolyPhen-2: "Probably Damaging"; Align-GVGD: "Not Available"). In summary, the available evidence is currently insufficient to determine the role of this variant in disease. Therefore, it has been classified as a Variant of Uncertain Significance.

NM_001371986.1(UNC80):c.6858C>A (p.His2286Gln)

Gene: UNC80 (unc-80 homolog, NALCN channel complex subunit; plus strand). Cytogenetic location: 2q34.
Variant type: single nucleotide variant.
Coding change: c.6858C>A on transcript NM_001371986.1 (MANE Select); coding-DNA position 6858, C replaced by A.
Protein change: p.His2286Gln; replaces histidine 2286 with glutamine.
Molecular consequence: missense variant.
Genome position (GRCh38, 1-based): chr2:209,941,432, C>A. VCF-style: chr2-209941432-C-A. GRCh37 (hg19) VCF-style: chr2-210806156-C-A.
Other names: c.6660C>A, p.His2220Gln (NM_032504.2); c.6645C>A, p.His2215Gln (NM_182587.4); short protein forms H2286Q, H2215Q, H2220Q.
Identifiers: ClinVar variation 1470813 (VCV001470813.3), dbSNP rs1252633870, ClinGen allele CA350773036.
Genomic context (GRCh38, chr2:209,941,432, plus strand): 5'-CCCGGAAGACAGTGCCCTGCTCAGGCAGTATGCTGCCACCGTCATCAACACCGCGGTGCA[C>A]TTCAACCACCTCTTCTCTCTCAGCGGCTACCAGTGGATTCTCCCCACCATGCTGCAGGTG-3'
Protein context (NP_001358915.1, residues 2276-2296): YAATVINTAV[His2286Gln]FNHLFSLSGY